The following is an entry in ClinVar:

ClinVar aggregate classification (germline): Likely pathogenic (1 of 4 stars; one submission).

Submission:

GeneDx
Classification: Likely pathogenic. Last evaluated: 2016-12-12. Review status: criteria provided, single submitter. Criteria: GeneDx Variant Classification (06012015). Collection method: clinical testing. Allele origin: germline. Affected: yes.
Comment: The c.478delC variant has not been published as a pathogenic variant, nor has it been reported as a benign variant to our knowledge. It causes a frameshift starting with codon Glutamine 160, changes this amino acid to a Serine residue and creates a premature Stop codon at position 2 of the new reading frame, denoted p.Gln160SerfsX2. The variant was not observed in approximately 6,500 individuals of European and African American ancestry in the NHLBI Exome Sequencing Project, indicating it is not a common benign variant in these populations. This variant replaces the final 102 amino acids with one incorrect amino acid; however, it is not predicted to result in nonsense-mediated decay of the protein. Multiple missense variants in the truncated region have been reported in the Human Gene Mutation Database in association with hyper-IgM syndrome (Stenson et al., 2014), supporting the functional importance of this region of the protein. Therefore, we consider this variant to be likely pathogenic.

NM_000074.3(CD40LG):c.478del (p.Gln160fs)

Gene: CD40LG (CD40 ligand; plus strand). Cytogenetic location: Xq26.3.
Variant type: Deletion.
Coding change: c.478del on transcript NM_000074.3 (MANE Select); coding-DNA position 478, one base deleted (C; older notation c.478delC).
Protein change: p.Gln160fs; shifts the reading frame from glutamine 160.
Molecular consequence: frameshift variant.
Genome position (GRCh38, 1-based): chrX:136,659,107, C deleted. VCF-style (leftmost placement, unchanged base first): chrX-136659106-AC-A. GRCh37 (hg19) VCF-style: chrX-135741265-AC-A.
Other names: c.478delC (NM_000074.2); short protein forms Q160fs.
Identifiers: ClinVar variation 373814 (VCV000373814.1), dbSNP rs1057518628, ClinGen allele CA16043175.